The following is an entry in ClinVar:

NC_000001.11:g.230704201C>T

Gene: AGT (angiotensinogen; minus strand). Cytogenetic location: 1q42.2.
Variant type: single nucleotide variant.
Genome position: GRCh38 VCF-style: chr1-230704201-C-T. GRCh37 (hg19) VCF-style: chr1-230839947-C-T.
Other names: NM_000029.3:c.1261G>A.
Identifiers: ClinVar variation 876806 (VCV000876806.7), dbSNP rs61751067, ClinGen allele CA1448088.

ClinVar aggregate classification (germline): Uncertain significance. Review status: criteria provided, multiple submitters, no conflicts (2 of 4 stars). 2 submissions from 2 submitters: Uncertain significance (2). Last evaluated 2023-06-14.

Conditions:
Renal tubular dysgenesis. Also called: Renotubular dysgenesis. Identifiers: Orphanet 3033, MedGen C0266313, MONDO:0017609, HP:0008660.

Allele frequency attached by ClinVar (database versions not stated): gnomAD exomes 0.00003 and 0.00006; ExAC 0.00004; gnomAD 0.00005 and 0.00006; TOPMed 0.00008.
gnomAD v4.1: 54 of 1,614,146 alleles (0.0033%); highest among the groups gnomAD compares: Admixed American, 0.017%; no homozygotes.

Submissions (2):

Labcorp Genetics (formerly Invitae), Labcorp
Classification: Uncertain significance. Last evaluated: 2023-06-14. Review status: criteria provided, single submitter. Criteria: Invitae Variant Classification Sherloc (09022015). Collection method: clinical testing. Allele origin: germline.
Comment: This variant has not been reported in the literature in individuals affected with AGT-related conditions. In summary, the available evidence is currently insufficient to determine the role of this variant in disease. Therefore, it has been classified as a Variant of Uncertain Significance. An algorithm developed to predict the effect of missense changes on protein structure and function (PolyPhen-2) suggests that this variant is likely to be disruptive. ClinVar contains an entry for this variant (Variation ID: 876806). This variant is present in population databases (rs61751067, gnomAD 0.02%). This sequence change replaces valine, which is neutral and non-polar, with methionine, which is neutral and non-polar, at codon 421 of the AGT protein (p.Val421Met).

Illumina Laboratory Services, Illumina
Classification: Uncertain significance for Renal tubular dysgenesis of genetic origin. Last evaluated: 2018-01-13. Review status: criteria provided, single submitter. Criteria: ICSL Variant Classification Criteria 13 December 2019. Collection method: clinical testing. Allele origin: germline.